The following is an entry in ClinVar:

NM_000179.3(MSH6):c.2536G>A (p.Glu846Lys)

Gene: MSH6 (mutS homolog 6; plus strand). Cytogenetic location: 2p16.3.
Variant type: single nucleotide variant.
Coding change: c.2536G>A on transcript NM_000179.3 (MANE Select); coding-DNA position 2536, G replaced by A.
Protein change: p.Glu846Lys; replaces glutamic acid 846 with lysine.
Molecular consequence: missense variant. On other transcripts: non-coding transcript variant (5), intron variant (3).
Genome position (GRCh38, 1-based): chr2:47,800,519, G>A. VCF-style: chr2-47800519-G-A. GRCh37 (hg19) VCF-style: chr2-48027658-G-A.
Other names: c.2146G>A, p.Glu716Lys (NM_001281492.2); c.1630G>A, p.Glu544Lys (NM_001281493.2, NM_001281494.2, NM_001406811.1 and 6 more transcripts); c.2632G>A, p.Glu878Lys (NM_001406795.1, NM_001406802.1); c.2536G>A, p.Glu846Lys (NM_001406796.1, NM_001406798.1, NM_001406800.1 and 2 more transcripts); c.2239G>A, p.Glu747Lys (NM_001406797.1, NM_001406818.1, NM_001406819.1 and 10 more transcripts); c.2542G>A, p.Glu848Lys (NM_001406813.1); c.2308+228G>A (NM_001406803.1); c.1606+930G>A (NM_001406817.1); and 4 more; short protein forms E544K, E671K, E716K, E747K, E790K, E820K, E846K, E848K.
Identifiers: ClinVar variation 3335930 (VCV003335930.2).

ClinVar aggregate classification (germline): Uncertain significance. Review status: criteria provided, multiple submitters, no conflicts (2 of 4 stars). 2 submissions from 2 submitters: Uncertain significance (2). Last evaluated 2024-05-03.

Conditions:
Hereditary breast ovarian cancer syndrome. Also called: Hereditary breast and ovarian cancer syndrome; BRCA1- and BRCA2-Associated Hereditary Breast and Ovarian Cancer; Breast and ovarian cancer; Hereditary breast and ovarian cancer; Hereditary breast and ovarian cancer syndrome (HBOC); Hereditary breast and/or ovarian cancer syndrome. Identifiers: Orphanet 145, MedGen C0677776, MeSH D061325, MONDO:0003582. Disease mechanism: loss of function.
Hereditary cancer-predisposing syndrome. Also called: Neoplastic Syndromes, Hereditary; Tumor predisposition; Hereditary neoplastic syndrome; Hereditary Cancer Syndrome. Identifiers: Orphanet 140162, MedGen C0027672, MeSH D009386, MONDO:0015356.

Submissions (2):

German Consortium for Hereditary Breast and Ovarian Cancer, University Hospital Cologne
Classification: Uncertain significance for Hereditary breast ovarian cancer syndrome. Last evaluated: 2024-05-03. Review status: criteria provided, single submitter. Criteria: ACMG Guidelines, 2015. Collection method: curation. Allele origin: germline.
Comment: According to the ACMG SVI adaptation criteria we chose these criteria: PM2 (supporting pathogenic): absent from gnomAD, PP3 (supporting pathogenic): REVEL-Score 0.84 (pathogenic moderate)

Color Diagnostics, LLC DBA Color Health
Classification: Uncertain significance for Hereditary cancer-predisposing syndrome. Last evaluated: 2024-04-15. Review status: criteria provided, single submitter. Criteria: ACMG Guidelines, 2015. Collection method: clinical testing. Allele origin: germline.
Comment: This missense variant replaces glutamic acid with lysine at codon 846 of the MSH6 protein. Computational prediction suggests that this variant may have deleterious impact on protein structure and function (internally defined REVEL score threshold >= 0.7, PMID: 27666373). To our knowledge, functional studies have not been reported for this variant. This variant has not been reported in individuals affected with MSH6-related disorders in the literature. This variant has not been identified in the general population by the Genome Aggregation Database (gnomAD). The available evidence is insufficient to determine the role of this variant in disease conclusively. Therefore, this variant is classified as a Variant of Uncertain Significance.